The following is an entry in ClinVar:

ClinVar aggregate classification (germline): Uncertain significance (1 of 4 stars; one submission).

Conditions:
Type A2 brachydactyly (BDA2). Also called: MOHR-WRIEDT TYPE BRACHYDACTYLY; BRACHYMESOPHALANGY II; Brachymesophalangy type 2. Identifiers: Orphanet 93396, MedGen C1832702, MONDO:0007216, OMIM 112600, HP:0009372.
Acromesomelic dysplasia 3 (AMD3). Also called: CHONDRODYSPLASIA, ACROMESOMELIC, WITH OR WITHOUT GENITAL ANOMALIES; Acromesomelic dysplasia, Demirhan type. Identifiers: MedGen C4225404, MONDO:0012274, OMIM 609441.

Allele frequency attached by ClinVar (database versions not stated): TOPMed below 0.00001; gnomAD 0.00001.
gnomAD v4.1: 1 of 1,613,940 alleles (0.000062%); highest among the groups gnomAD compares: Non-Finnish European, 0.000085%; no homozygotes.

Submission:

Labcorp Genetics (formerly Invitae), Labcorp
Classification: Uncertain significance for Type A2 brachydactyly; Acromesomelic dysplasia 3. Last evaluated: 2020-04-07. Review status: criteria provided, single submitter. Criteria: Invitae Variant Classification Sherloc (09022015). Collection method: clinical testing. Allele origin: germline.
Comment: In summary, the available evidence is currently insufficient to determine the role of this variant in disease. Therefore, it has been classified as a Variant of Uncertain Significance. Algorithms developed to predict the effect of missense changes on protein structure and function are either unavailable or do not agree on the potential impact of this missense change (SIFT: "Deleterious"; PolyPhen-2: "Probably Damaging"; Align-GVGD: "Class C0"). This variant has not been reported in the literature in individuals with BMPR1B-related conditions. This variant is not present in population databases (ExAC no frequency). This sequence change replaces phenylalanine with valine at codon 392 of the BMPR1B protein (p.Phe392Val). The phenylalanine residue is highly conserved and there is a small physicochemical difference between phenylalanine and valine.

NM_001203.3(BMPR1B):c.1174T>G (p.Phe392Val)

Gene: BMPR1B (bone morphogenetic protein receptor type 1B; plus strand). Cytogenetic location: 4q22.3.
Variant type: single nucleotide variant.
Coding change: c.1174T>G on transcript NM_001203.3 (MANE Select); coding-DNA position 1174, T replaced by G.
Protein change: p.Phe392Val; replaces phenylalanine 392 with valine.
Molecular consequence: missense variant.
Genome position (GRCh38, 1-based): chr4:95,148,845, T>G. VCF-style: chr4-95148845-T-G. GRCh37 (hg19) VCF-style: chr4-96069996-T-G.
Other names: c.1174T>G, p.Phe392Val (NM_001256792.2, NM_001256794.1); c.1264T>G, p.Phe422Val (NM_001256793.2); short protein forms F392V, F422V.
Identifiers: ClinVar variation 1060472 (VCV001060472.9), dbSNP rs1464900722, ClinGen allele CA357685835.